The following is an entry in ClinVar:

NM_017849.4(TMEM127):c.224del (p.Val75fs)

Gene: TMEM127 (transmembrane protein 127; minus strand). Cytogenetic location: 2q11.2.
Variant type: Deletion.
Coding change: c.224del on transcript NM_017849.4 (MANE Select); coding-DNA position 224, one base deleted (T; older notation c.224delT).
Protein change: p.Val75fs; shifts the reading frame from valine 75.
Molecular consequence: frameshift variant.
Genome position (GRCh38, 1-based): chr2:96,265,158, A deleted on the plus strand (T on the coding strand, the reverse complement: TMEM127 is on the minus strand). VCF-style (leftmost placement, unchanged base first): chr2-96265157-CA-C. GRCh37 (hg19) VCF-style: chr2-96930895-CA-C.
Other names: c.224del, p.Val75fs (NM_001193304.3); short protein forms V75fs.
Identifiers: ClinVar variation 1788399 (VCV001788399.5), dbSNP rs2467284973, ClinGen allele CA2580068304.
Genomic context (GRCh38, chr2:96,265,157, plus strand): 5'-CCCCCACCGAGGCTTTAAGGGCCAGCGCGCAGCACCCTCACCTTTCAGCAGGTCCGGGTG[CA>C]CATAGCCCAACACGTCGGAGACCCCCAGCTCCTGGCGCGAACAGGTGCCTCCGTGGATGT-3'

ClinVar aggregate classification (germline): Pathogenic. Review status: criteria provided, multiple submitters, no conflicts (2 of 4 stars). 2 submissions from 2 submitters: Pathogenic (2). Last evaluated 2023-09-15.

Conditions:
Hereditary cancer-predisposing syndrome. Also called: Tumor predisposition; Hereditary Cancer Syndrome; Hereditary neoplastic syndrome; Neoplastic Syndromes, Hereditary. Identifiers: Orphanet 140162, MedGen C0027672, MeSH D009386, MONDO:0015356.
Hereditary pheochromocytoma and paraganglioma. Also called: Hereditary paragangliomas and pheochromocytomas; Hereditary Paraganglioma-Pheochromocytoma Syndromes; Hereditary pheochromocytoma-paraganglioma. Identifiers: Orphanet 29072, MedGen C4274332, MONDO:0017366.

Submissions (2):

Labcorp Genetics (formerly Invitae), Labcorp
Classification: Pathogenic for Hereditary pheochromocytoma and paraganglioma. Last evaluated: 2023-09-15. Review status: criteria provided, single submitter. Criteria: Invitae Variant Classification Sherloc (09022015). Collection method: clinical testing. Allele origin: germline.
Comment: For these reasons, this variant has been classified as Pathogenic. ClinVar contains an entry for this variant (Variation ID: 1788399). This variant has not been reported in the literature in individuals affected with TMEM127-related conditions. This variant is not present in population databases (gnomAD no frequency). This sequence change creates a premature translational stop signal (p.Val75Glyfs*6) in the TMEM127 gene. It is expected to result in an absent or disrupted protein product. Loss-of-function variants in TMEM127 are known to be pathogenic (PMID: 20154675, 21156949).

Ambry Genetics
Classification: Pathogenic for Hereditary cancer-predisposing syndrome. Last evaluated: 2019-12-19. Review status: criteria provided, single submitter. Criteria: Ambry Variant Classification Scheme 2023. Collection method: clinical testing. Allele origin: germline.
Comment: The c.224delT pathogenic mutation, located in coding exon 1 of the TMEM127 gene, results from a deletion of one nucleotide at nucleotide position 224, causing a translational frameshift with a predicted alternate stop codon (p.V75Gfs*6). This alteration is expected to result in loss of function by premature protein truncation or nonsense-mediated mRNA decay. As such, this alteration is interpreted as a disease-causing mutation.

Literature cited by the submitters: PubMed 20154675 (cited by Labcorp Genetics (formerly Invitae), Labcorp); PubMed 21156949 (cited by Labcorp Genetics (formerly Invitae), Labcorp).